The following is an entry in ClinVar:

ClinVar aggregate classification (germline): Uncertain significance (1 of 4 stars; one submission).

Submission:

Mayo Clinic Laboratories, Mayo Clinic
Classification: Uncertain significance. Last evaluated: 2024-03-28. Review status: criteria provided, single submitter. Criteria: ACMG Guidelines, 2015. Collection method: clinical testing. Allele origin: germline. Observed: 2 variant alleles.
Comment: PP3, PM2

NM_001163809.2(WDR81):c.1217T>A (p.Leu406His)

Gene: WDR81 (WD repeat domain 81; plus strand). Cytogenetic location: 17p13.3.
Variant type: single nucleotide variant.
Coding change: c.1217T>A on transcript NM_001163809.2 (MANE Select); coding-DNA position 1217, T replaced by A.
Protein change: p.Leu406His; replaces leucine 406 with histidine.
Molecular consequence: missense variant. On other transcripts: intron variant (3).
Genome position (GRCh38, 1-based): chr17:1,726,176, T>A. VCF-style: chr17-1726176-T-A. GRCh37 (hg19) VCF-style: chr17-1629470-T-A.
Other names: p.Leu406His; c.-123-1814T>A (NM_152348.4); c.59-4204T>A (NM_001163673.2); c.-15+1390T>A (NM_001163811.2); short protein forms L406H.
Identifiers: ClinVar variation 3380449 (VCV003380449.1).